The following is an entry in ClinVar:

ClinVar aggregate classification (germline): Uncertain significance (1 of 4 stars; one submission).

Conditions:
LAMA2-related muscular dystrophy (LAMA2-RD). Also called: Laminin alpha 2-related dystrophy. Identifiers: MedGen C5679788, MONDO:0100228.

Allele frequency attached by ClinVar (database versions not stated): gnomAD 0.00001; gnomAD exomes 0.00001; TOPMed 0.00001.
gnomAD v4.1: 10 of 1,614,000 alleles (0.00062%); highest among the groups gnomAD compares: Admixed American, 0.0017%; no homozygotes.

Submission:

Labcorp Genetics (formerly Invitae), Labcorp
Classification: Uncertain significance for LAMA2-related muscular dystrophy. Last evaluated: 2022-08-23. Review status: criteria provided, single submitter. Criteria: Invitae Variant Classification Sherloc (09022015). Collection method: clinical testing. Allele origin: germline.
Comment: This sequence change replaces alanine, which is neutral and non-polar, with threonine, which is neutral and polar, at codon 2722 of the LAMA2 protein (p.Ala2722Thr). This variant is not present in population databases (gnomAD no frequency). This variant has not been reported in the literature in individuals affected with LAMA2-related conditions. ClinVar contains an entry for this variant (Variation ID: 849038). Advanced modeling of protein sequence and biophysical properties (such as structural, functional, and spatial information, amino acid conservation, physicochemical variation, residue mobility, and thermodynamic stability) performed at Invitae indicates that this missense variant is not expected to disrupt LAMA2 protein function. In summary, the available evidence is currently insufficient to determine the role of this variant in disease. Therefore, it has been classified as a Variant of Uncertain Significance.

NM_000426.4(LAMA2):c.8164G>A (p.Ala2722Thr)

Gene: LAMA2 (laminin subunit alpha 2; plus strand). Cytogenetic location: 6q22.33.
Variant type: single nucleotide variant.
Coding change: c.8164G>A on transcript NM_000426.4 (MANE Select); coding-DNA position 8164, G replaced by A.
Protein change: p.Ala2722Thr; replaces alanine 2722 with threonine.
Molecular consequence: missense variant.
Genome position (GRCh38, 1-based): chr6:129,492,403, G>A. VCF-style: chr6-129492403-G-A. GRCh37 (hg19) VCF-style: chr6-129813548-G-A.
Other names: c.8152G>A, p.Ala2718Thr (NM_001079823.2); short protein forms A2718T, A2722T.
Identifiers: ClinVar variation 849038 (VCV000849038.3), dbSNP rs959261334, ClinGen allele CA146918287.